The following is an entry in ClinVar:

NM_001356.5(DDX3X):c.1501G>A (p.Ala501Thr)

Gene: DDX3X (DEAD-box helicase 3 X-linked; plus strand). Cytogenetic location: Xp11.4.
Variant type: single nucleotide variant.
Coding change: c.1501G>A on transcript NM_001356.5 (MANE Select); coding-DNA position 1501, G replaced by A.
Protein change: p.Ala501Thr; replaces alanine 501 with threonine.
Molecular consequence: missense variant. On other transcripts: non-coding transcript variant (1).
Genome position (GRCh38, 1-based): chrX:41,346,508, G>A. VCF-style: chrX-41346508-G-A. GRCh37 (hg19) VCF-style: chrX-41205761-G-A.
Other names: NC_000023.10:g.41205761G>A; c.1501G>A, p.Ala501Thr (NM_001193416.3); c.1453G>A, p.Ala485Thr (NM_001193417.3); c.943G>A, p.Ala315Thr (NM_001363819.1); short protein forms A315T, A485T, A501T.
Identifiers: ClinVar variation 3901942 (VCV003901942.2).
Genomic context (GRCh38, chrX:41,346,508, plus strand): 5'-TGTTCAAGTATTTGTTTTCTTTTAAGTGGGCCATATCTCATAAAAGTTATTTTCCAGGTA[G>A]CAGCAAGAGGACTGGACATTTCAAATGTGAAACATGTTATCAATTTTGACTTGCCAAGTG-3'
Protein context (NP_001347.3, residues 491-511): KSPILVATAV[Ala501Thr]ARGLDISNVK

ClinVar aggregate classification (germline): Uncertain significance (1 of 4 stars; one submission).

Conditions:
Intellectual disability, X-linked 102 (MRXSSB). Also called: Intellectual developmental disorder, X-linked syndromic, Snijders Blok type. Identifiers: Orphanet 457260, MedGen C5393299, MONDO:0010497, OMIM 300958.

Submissions (2):

Laboratorio de Genetica e Diagnostico Molecular, Hospital Israelita Albert Einstein
Classification: Uncertain significance for Intellectual disability, X-linked 102. Last evaluated: 2024-03-28. Review status: criteria provided, single submitter. Criteria: ACMG Guidelines, 2015. Collection method: clinical testing. Allele origin: germline. Affected: yes.
Comment: ACMG classification criteria: PM2 supporting, PP3 supporting

Dr. Peter K. Rogan Lab, Western University
No classification provided (evidence only). Condition: Thyroid cancer, nonmedullary, 1. Review status: no classification provided. Collection method: in vitro. Allele origin: not applicable. Functional consequence: retained intron. Not counted in ClinVar's aggregate classification.